The following is an entry in ClinVar:

ClinVar aggregate classification (germline): Conflicting classifications of pathogenicity; other. Review status: criteria provided, conflicting classifications (1 of 4 stars). 6 submissions from 5 submitters: Uncertain significance (4); Benign (1). Last evaluated 2025-05-04.

Conditions:
Adams-Oliver syndrome 5 (AOS5). Identifiers: Orphanet 974, MedGen C4014970, MONDO:0014459, OMIM 616028.
Cholesteatoma of middle ear. Identifiers: MedGen C0155490, MeSH D018424, MONDO:0006533.
Familial thoracic aortic aneurysm and aortic dissection (TAAD). Also called: Thoracic aortic aneurysms and dissections. Identifiers: Orphanet 91387, MedGen C4707243, MONDO:0019625.
Aortic valve disease 1 (AOVD1). Identifiers: MedGen C3887892, MONDO:0024523, OMIM 109730.

Allele frequency attached by ClinVar (database versions not stated): TOPMed below 0.00001.

Submissions (6):

Ambry Genetics
Classification: Uncertain significance for Familial thoracic aortic aneurysm and aortic dissection. Last evaluated: 2025-05-04. Review status: criteria provided, single submitter. Criteria: Ambry Variant Classification Scheme 2023. Collection method: clinical testing. Allele origin: germline.

Labcorp Genetics (formerly Invitae), Labcorp
Classification: Benign for Adams-Oliver syndrome 5. Last evaluated: 2025-03-22. Review status: criteria provided, single submitter. Criteria: Invitae Variant Classification Sherloc (09022015). Collection method: clinical testing. Allele origin: germline.

Genome-Nilou Lab
Classification: Uncertain significance for Adams-Oliver syndrome 5. Last evaluated: 2022-03-15. Review status: criteria provided, single submitter. Criteria: ACMG Guidelines, 2015. Collection method: clinical testing. Allele origin: germline. Affected: no.

Genome-Nilou Lab
Classification: Uncertain significance for Aortic valve disease 1. Last evaluated: 2022-03-15. Review status: criteria provided, single submitter. Criteria: ACMG Guidelines, 2015. Collection method: clinical testing. Allele origin: germline. Affected: no.

GeneDx
Classification: Uncertain significance. Last evaluated: 2021-04-29. Review status: criteria provided, single submitter. Criteria: GeneDx Variant Classification Process June 2021. Collection method: clinical testing. Allele origin: germline. Affected: yes.
Comment: Has not been previously published as pathogenic or benign to our knowledge; Reported in ClinVar as a variant of uncertain significance (ClinVar Variant ID# 1039617; Landrum et al., 2016); Not observed at a significant frequency in large population cohorts (Lek et al., 2016); In silico analysis supports that this missense variant does not alter protein structure/function

Department of Human Genetics, Nagasaki University
Classification: other for Cholesteatoma of middle ear. Review status: criteria provided, single submitter. Criteria: AMP Guidelines, 2017. Collection method: research. Allele origin: somatic. Affected: yes. Observed: 1 variant allele.
Comment: variant allele frequency in tumor is 0.0681 (54/739)

NM_017617.5(NOTCH1):c.433G>A (p.Ala145Thr)

Gene: NOTCH1 (notch receptor 1; minus strand). Cytogenetic location: 9q34.3.
Variant type: single nucleotide variant.
Coding change: c.433G>A on transcript NM_017617.5 (MANE Select); coding-DNA position 433, G replaced by A.
Protein change: p.Ala145Thr; replaces alanine 145 with threonine.
Molecular consequence: missense variant.
Genome position (GRCh38, 1-based): chr9:136,523,159, C>T on the plus strand (G>A on the coding strand, the complement: NOTCH1 is on the minus strand). VCF-style: chr9-136523159-C-T. GRCh37 (hg19) VCF-style: chr9-139417611-C-T.
Other names: short protein forms A145T.
Identifiers: ClinVar variation 1039617 (VCV001039617.22), dbSNP rs1388726872, ClinGen allele CA375571609.